The following is an entry in ClinVar:

NM_007098.4(CLTCL1):c.4746G>A (p.Val1582=)

Gene: CLTCL1 (clathrin heavy chain like 1; minus strand). Cytogenetic location: 22q11.21.
Variant type: single nucleotide variant.
Coding change: c.4746G>A on transcript NM_007098.4 (MANE Select); coding-DNA position 4746, G replaced by A.
Protein change: p.Val1582=; no amino-acid change (valine 1582 retained).
Molecular consequence: synonymous variant.
Genome position (GRCh38, 1-based): chr22:19,183,471, C>T on the plus strand (G>A on the coding strand, the complement: CLTCL1 is on the minus strand). VCF-style: chr22-19183471-C-T. GRCh37 (hg19) VCF-style: chr22-19170984-C-T.
Other names: c.4575G>A, p.Val1525= (NM_001835.4).
Identifiers: ClinVar variation 3032524 (VCV003032524.2), dbSNP rs2517308227, ClinGen allele CA512985413.

ClinVar aggregate classification (germline): Likely benign (0 of 4 stars; one submission).

Conditions:
CLTCL1-related disorder. Also called: CLTCL1-related condition.

Submission:

PreventionGenetics, part of Exact Sciences
Classification: Likely benign for CLTCL1-related condition. Last evaluated: 2023-11-08. Review status: no assertion criteria provided. Collection method: clinical testing. Allele origin: germline.
Comment: This variant is classified as likely benign based on ACMG/AMP sequence variant interpretation guidelines (Richards et al. 2015 PMID: 25741868, with internal and published modifications).